The following is an entry in ClinVar:

ClinVar aggregate classification (germline): Uncertain significance. Review status: criteria provided, multiple submitters, no conflicts (2 of 4 stars). 3 submissions from 3 submitters: Uncertain significance (3). Last evaluated 2023-07-07.

Conditions:
Cardiovascular phenotype. Identifiers: MedGen CN230736.
Hypercholesterolemia, autosomal dominant, type B (FHCL2). Also called: APOB-Related Familial Hypercholesterolemia, Autosomal Dominant; Hyperlipoproteinemia Type IIb; Familial Hypercholesterolemia Type B; APOLIPOPROTEIN B-100, FAMILIAL DEFECTIVE; APOLIPOPROTEIN B-100, FAMILIAL LIGAND-DEFECTIVE; Familial hypercholesterolemia 2. Identifiers: MedGen C1704417, MONDO:0007751, OMIM 144010.
Familial hypobetalipoproteinemia 1. Also called: APOB-Related Familial Hypobetalipoproteinemia; Hypobetalipoproteinemia, normotriglyceridemic; Acanthocytosis with hypobetalipoproteinemia. Identifiers: MedGen C4551990, MONDO:0014252, OMIM 615558.

Allele frequency attached by ClinVar (database versions not stated): gnomAD exomes below 0.00001; gnomAD 0.00001; TOPMed 0.00002; ESP Exome Variant Server 0.00008.
gnomAD v4.1: 4 of 1,610,422 alleles (0.00025%); highest among the groups gnomAD compares: Non-Finnish European, 0.00034%; no homozygotes.

Submissions (3):

GeneDx
Classification: Uncertain significance. Last evaluated: 2023-07-07. Review status: criteria provided, single submitter. Criteria: GeneDx Variant Classification Process June 2021. Collection method: clinical testing. Allele origin: germline. Affected: yes.
Comment: Not observed at significant frequency in large population cohorts (gnomAD); In silico analysis supports that this missense variant has a deleterious effect on protein structure/function; Has not been previously published as pathogenic or benign to our knowledge

Ambry Genetics
Classification: Uncertain significance for Cardiovascular phenotype. Last evaluated: 2023-05-27. Review status: criteria provided, single submitter. Criteria: Ambry Variant Classification Scheme 2023. Collection method: clinical testing. Allele origin: germline.
Comment: The p.D1070N variant (also known as c.3208G>A), located in coding exon 21 of the APOB gene, results from a G to A substitution at nucleotide position 3208. The aspartic acid at codon 1070 is replaced by asparagine, an amino acid with highly similar properties. This amino acid position is not well conserved in available vertebrate species, and asparagine is the reference amino acid in other vertebrate species. In addition, this alteration is predicted to be tolerated by in silico analysis. Since supporting evidence is limited at this time, the clinical significance of this alteration remains unclear.

Labcorp Genetics (formerly Invitae), Labcorp
Classification: Uncertain significance for Familial hypobetalipoproteinemia 1; Hypercholesterolemia, autosomal dominant, type B. Last evaluated: 2021-08-28. Review status: criteria provided, single submitter. Criteria: Invitae Variant Classification Sherloc (09022015). Collection method: clinical testing. Allele origin: germline.
Comment: This sequence change replaces aspartic acid with asparagine at codon 1070 of the APOB protein (p.Asp1070Asn). The aspartic acid residue is highly conserved and there is a small physicochemical difference between aspartic acid and asparagine. This variant is not present in population databases (ExAC no frequency). This variant has not been reported in the literature in individuals affected with APOB-related conditions. ClinVar contains an entry for this variant (Variation ID: 630412). Algorithms developed to predict the effect of missense changes on protein structure and function output the following: SIFT: "Deleterious"; PolyPhen-2: "Benign"; Align-GVGD: "Class C0". The asparagine amino acid residue is found in multiple mammalian species, which suggests that this missense change does not adversely affect protein function. In summary, the available evidence is currently insufficient to determine the role of this variant in disease. Therefore, it has been classified as a Variant of Uncertain Significance.

NM_000384.3(APOB):c.3208G>A (p.Asp1070Asn)

Gene: APOB (apolipoprotein B; minus strand). Cytogenetic location: 2p24.1.
Variant type: single nucleotide variant.
Coding change: c.3208G>A on transcript NM_000384.3 (MANE Select); coding-DNA position 3208, G replaced by A.
Protein change: p.Asp1070Asn; replaces aspartic acid 1070 with asparagine.
Molecular consequence: missense variant.
Genome position (GRCh38, 1-based): chr2:21,016,563, C>T on the plus strand (G>A on the coding strand, the complement: APOB is on the minus strand). VCF-style: chr2-21016563-C-T. GRCh37 (hg19) VCF-style: chr2-21239435-C-T.
Other names: short protein forms D1070N.
Identifiers: ClinVar variation 630412 (VCV000630412.51), dbSNP rs368268089, ClinGen allele CA43514819.